The following is an entry in ClinVar:

NM_007194.4(CHEK2):c.311C>T (p.Ala104Val)

Gene: CHEK2 (checkpoint kinase 2; minus strand). Cytogenetic location: 22q12.1.
Variant type: single nucleotide variant.
Coding change: c.311C>T on transcript NM_007194.4 (MANE Select); coding-DNA position 311, C replaced by T.
Protein change: p.Ala104Val; replaces alanine 104 with valine.
Molecular consequence: missense variant.
Genome position (GRCh38, 1-based): chr22:28,734,411, G>A on the plus strand (C>T on the coding strand, the complement: CHEK2 is on the minus strand). VCF-style: chr22-28734411-G-A. GRCh37 (hg19) VCF-style: chr22-29130399-G-A.
Other names: c.311C>T, p.Ala104Val (NM_001005735.3, NM_001349956.3, NM_145862.3); c.-467C>T (NM_001257387.3); short protein forms A104V.
Identifiers: ClinVar variation 1727841 (VCV001727841.3), dbSNP rs2146143546, ClinGen allele CA411090195.

ClinVar aggregate classification (germline): Uncertain significance. Review status: criteria provided, multiple submitters, no conflicts (2 of 4 stars). 2 submissions from 2 submitters: Uncertain significance (2). Last evaluated 2023-12-11.

Conditions:
Hereditary cancer-predisposing syndrome. Also called: Tumor predisposition; Neoplastic Syndromes, Hereditary; Hereditary Cancer Syndrome; Hereditary neoplastic syndrome. Identifiers: Orphanet 140162, MedGen C0027672, MeSH D009386, MONDO:0015356.
CHEK2-related cancer predisposition (TPDS4). Also called: TUMOR PREDISPOSITION SYNDROME 4; CANCER PREDISPOSITION SYNDROME, CHEK2-RELATED; CHEK2-related cancer susceptibility. Identifiers: Orphanet 524, MedGen C5882668, MONDO:0700271, OMIM 609265.

Submissions (2):

Department of Pathology and Laboratory Medicine, Sinai Health System
Classification: Uncertain significance for CHEK2-related cancer predisposition. Last evaluated: 2023-12-11. Review status: criteria provided, single submitter. Criteria: ACMG Guidelines, 2015. Collection method: clinical testing. Allele origin: germline. Affected: yes.

Ambry Genetics
Classification: Uncertain significance for Hereditary cancer-predisposing syndrome. Last evaluated: 2017-10-16. Review status: criteria provided, single submitter. Criteria: Ambry Variant Classification Scheme 2023. Collection method: clinical testing. Allele origin: germline.
Comment: The p.A104V variant (also known as c.311C>T), located in coding exon 1 of the CHEK2 gene, results from a C to T substitution at nucleotide position 311. The alanine at codon 104 is replaced by valine, an amino acid with similar properties. This amino acid position is poorly conserved in available vertebrate species. In addition, this alteration is predicted to be tolerated by in silico analysis. Since supporting evidence is limited at this time, the clinical significance of this alteration remains unclear.